The following is an entry in ClinVar:

ClinVar aggregate classification (germline): Uncertain significance. Review status: criteria provided, multiple submitters, no conflicts (2 of 4 stars). 2 submissions from 2 submitters: Uncertain significance (2). Last evaluated 2023-11-10.

Conditions:
Glycogen storage disease type III (GSD3). Also called: Cori disease; FORBES DISEASE. Identifiers: Orphanet 366, MedGen C0017922, MONDO:0009291, OMIM 232400.

Allele frequency attached by ClinVar (database versions not stated): gnomAD exomes below 0.00001.
gnomAD v4.1: 2 of 1,613,960 alleles (0.00012%); highest among the groups gnomAD compares: Non-Finnish European, 0.00017%; no homozygotes.

Submissions (2):

Mayo Clinic Laboratories, Mayo Clinic
Classification: Uncertain significance. Last evaluated: 2023-11-10. Review status: criteria provided, single submitter. Criteria: ACMG Guidelines, 2015. Collection method: clinical testing. Allele origin: germline. Observed: 1 variant allele.
Comment: PP3, PM2

Labcorp Genetics (formerly Invitae), Labcorp
Classification: Uncertain significance for Glycogen storage disease type III. Last evaluated: 2022-06-29. Review status: criteria provided, single submitter. Criteria: Invitae Variant Classification Sherloc (09022015). Collection method: clinical testing. Allele origin: germline.
Comment: In summary, the available evidence is currently insufficient to determine the role of this variant in disease. Therefore, it has been classified as a Variant of Uncertain Significance. Algorithms developed to predict the effect of missense changes on protein structure and function are either unavailable or do not agree on the potential impact of this missense change (SIFT: "Deleterious"; PolyPhen-2: "Probably Damaging"; Align-GVGD: "Class C0"). This variant has not been reported in the literature in individuals affected with AGL-related conditions. This variant is not present in population databases (gnomAD no frequency). This sequence change replaces serine, which is neutral and polar, with glycine, which is neutral and non-polar, at codon 225 of the AGL protein (p.Ser225Gly).

NM_000642.3(AGL):c.673A>G (p.Ser225Gly)

Gene: AGL (amylo-alpha-1,6-glucosidase and 4-alpha-glucanotransferase; plus strand). Cytogenetic location: 1p21.2.
Variant type: single nucleotide variant.
Coding change: c.673A>G on transcript NM_000642.3 (MANE Select); coding-DNA position 673, A replaced by G.
Protein change: p.Ser225Gly; replaces serine 225 with glycine.
Molecular consequence: missense variant.
Genome position (GRCh38, 1-based): chr1:99,870,408, A>G. VCF-style: chr1-99870408-A-G. GRCh37 (hg19) VCF-style: chr1-100335964-A-G.
Other names: p.Ser225Gly; c.469A>G, p.Ser157Gly (NM_001425328.1, NM_001425329.1); c.295A>G, p.Ser99Gly (NM_001425332.1); c.673A>G, p.Ser225Gly (NM_000028.3, NM_000643.3, NM_000644.3 and 3 more transcripts); c.625A>G, p.Ser209Gly (NM_000646.3); short protein forms S225G, S209G, S157G, S99G.
Identifiers: ClinVar variation 2087293 (VCV002087293.5), dbSNP rs2524558363, ClinGen allele CA341339106.